The following is an entry in ClinVar:

NM_177438.3(DICER1):c.3690G>C (p.Gln1230His)

Gene: DICER1 (dicer 1, ribonuclease III; minus strand). Cytogenetic location: 14q32.13.
Variant type: single nucleotide variant.
Coding change: c.3690G>C on transcript NM_177438.3 (MANE Select); coding-DNA position 3690, G replaced by C.
Protein change: p.Gln1230His; replaces glutamine 1230 with histidine.
Molecular consequence: missense variant. On other transcripts: non-coding transcript variant (6).
Genome position (GRCh38, 1-based): chr14:95,103,706, C>G on the plus strand (G>C on the coding strand, the complement: DICER1 is on the minus strand). VCF-style: chr14-95103706-C-G. GRCh37 (hg19) VCF-style: chr14-95570043-C-G.
Other names: c.3690G>C, p.Gln1230His (NM_001271282.3, NM_001291628.2, NM_001395677.1 and 12 more transcripts); c.3408G>C, p.Gln1136His (NM_001395686.1); c.3285G>C, p.Gln1095His (NM_001395687.1, NM_001395688.1, NM_001395689.1 and 2 more transcripts); c.3123G>C, p.Gln1041His (NM_001395691.1); c.2007G>C, p.Gln669His (NM_001395697.1); short protein forms Q1095H, Q1136H, Q1230H, Q669H, Q1041H.
Identifiers: ClinVar variation 4746813 (VCV004746813.1).

ClinVar aggregate classification (germline): Uncertain significance (1 of 4 stars; one submission).

Conditions:
DICER1-related tumor predisposition. Also called: DICER1-related pleuropulmonary blastoma cancer predisposition syndrome; DICER1 syndrome. Identifiers: Orphanet 284343, MedGen C3839822, MONDO:0100216.

Submission:

Labcorp Genetics (formerly Invitae), Labcorp
Classification: Uncertain significance for DICER1-related tumor predisposition. Last evaluated: 2025-12-18. Review status: criteria provided, single submitter. Criteria: Invitae Variant Classification Sherloc (09022015). Collection method: clinical testing. Allele origin: germline.
Comment: This sequence change replaces glutamine, which is neutral and polar, with histidine, which is basic and polar, at codon 1230 of the DICER1 protein (p.Gln1230His). This variant is not present in population databases (gnomAD no frequency). This variant has not been reported in the literature in individuals affected with DICER1-related conditions. Invitae Evidence Modeling of protein sequence and biophysical properties (such as structural, functional, and spatial information, amino acid conservation, physicochemical variation, residue mobility, and thermodynamic stability) indicates that this missense variant is not expected to disrupt DICER1 protein function with a negative predictive value of 95%. In summary, the available evidence is currently insufficient to determine the role of this variant in disease. Therefore, it has been classified as a Variant of Uncertain Significance.